The following is an entry in ClinVar:

ClinVar aggregate classification (germline): Uncertain significance (1 of 4 stars; one submission).

Conditions:
Catecholaminergic polymorphic ventricular tachycardia 1. Also called: VENTRICULAR TACHYCARDIA, STRESS-INDUCED POLYMORPHIC 1; RYR2-Related Catecholaminergic Polymorphic Ventricular Tachycardia; VENTRICULAR TACHYCARDIA, CATECHOLAMINERGIC POLYMORPHIC, 1, WITH OR WITHOUT ATRIAL DYSFUNCTION AND/OR DILATED CARDIOMYOPATHY. Identifiers: Orphanet 3286, MedGen C1631597, MONDO:0011484, OMIM 604772.

Submission:

Labcorp Genetics (formerly Invitae), Labcorp
Classification: Uncertain significance for Catecholaminergic polymorphic ventricular tachycardia 1. Last evaluated: 2026-01-13. Review status: criteria provided, single submitter. Criteria: Invitae Variant Classification Sherloc (09022015). Collection method: clinical testing. Allele origin: germline.
Comment: This sequence change replaces lysine, which is basic and polar, with threonine, which is neutral and polar, at codon 1890 of the RYR2 protein (p.Lys1890Thr). This variant is not present in population databases (gnomAD no frequency). This variant has not been reported in the literature in individuals affected with RYR2-related conditions. Invitae Evidence Modeling of protein sequence and biophysical properties (such as structural, functional, and spatial information, amino acid conservation, physicochemical variation, residue mobility, and thermodynamic stability) indicates that this missense variant is not expected to disrupt RYR2 protein function with a negative predictive value of 95%. In summary, the available evidence is currently insufficient to determine the role of this variant in disease. Therefore, it has been classified as a Variant of Uncertain Significance.

NM_001035.3(RYR2):c.5669A>C (p.Lys1890Thr)

Gene: RYR2 (ryanodine receptor 2; plus strand). Cytogenetic location: 1q43.
Variant type: single nucleotide variant.
Coding change: c.5669A>C on transcript NM_001035.3 (MANE Select); coding-DNA position 5669, A replaced by C.
Protein change: p.Lys1890Thr; replaces lysine 1890 with threonine.
Molecular consequence: missense variant.
Genome position (GRCh38, 1-based): chr1:237,614,797, A>C. VCF-style: chr1-237614797-A-C. GRCh37 (hg19) VCF-style: chr1-237778097-A-C.
Other names: short protein forms K1890T.
Identifiers: ClinVar variation 4800076 (VCV004800076.1).
Genomic context (GRCh38, chr1:237,614,797, plus strand): 5'-TGGACGATGCAAAGCTGCAAGGAGCTGGTGAGGAAGAAGCCAAGGGGGGCAAGCGGCCCA[A>C]GGAAGGCCTGCTCCAAATGAAACTGCCAGAGCCAGTTAAATTGCAGGTAATCAGAACAAG-3'
Protein context (NP_001026.2, residues 1880-1900): EEEAKGGKRP[Lys1890Thr]EGLLQMKLPE